The following is an entry in ClinVar:

ClinVar aggregate classification (germline): Conflicting classifications of pathogenicity. Review status: criteria provided, conflicting classifications (1 of 4 stars). 4 submissions from 4 submitters: Uncertain significance (1); Likely benign (3). Last evaluated 2026-07-17.

Conditions:
SDHA-related disorder. Also called: SDHA-related disorders; SDHA-related condition.
Pheochromocytoma/paraganglioma syndrome 5. Also called: Paragangliomas 5; SDHA-Related Hereditary Paraganglioma-Pheochromocytoma Syndrome. Identifiers: Orphanet 29072, MedGen C3279992, MONDO:0013602, OMIM 614165.
Mitochondrial complex II deficiency, nuclear type 1. Also called: SUCCINATE CoQ REDUCTASE DEFICIENCY. Identifiers: Orphanet 3208, MedGen C5700310, MONDO:0100294, OMIM 252011.
Hereditary cancer-predisposing syndrome. Also called: Neoplastic Syndromes, Hereditary; Hereditary neoplastic syndrome; Hereditary Cancer Syndrome; Tumor predisposition. Identifiers: Orphanet 140162, MedGen C0027672, MeSH D009386, MONDO:0015356.

Submissions (4):

PreventionGenetics, part of Exact Sciences
Classification: Likely benign for SDHA-related condition. Last evaluated: 2026-07-17. Review status: criteria provided, single submitter. Criteria: ACMG Guidelines, 2015. Collection method: clinical testing. Allele origin: germline.
Comment: This variant is classified as likely benign based on ACMG/AMP sequence variant interpretation guidelines (Richards et al. 2015 PMID: 25741868, with internal and published modifications).

Labcorp Genetics (formerly Invitae), Labcorp
Classification: Likely benign for Pheochromocytoma/paraganglioma syndrome 5; Mitochondrial complex II deficiency, nuclear type 1. Last evaluated: 2026-01-12. Review status: criteria provided, single submitter. Criteria: Invitae Variant Classification Sherloc (09022015). Collection method: clinical testing. Allele origin: germline.

Myriad Genetics, Inc.
Classification: Likely benign for Pheochromocytoma/paraganglioma syndrome 5. Last evaluated: 2025-03-03. Review status: criteria provided, single submitter. Criteria: Myriad Autosomal Dominant, Autosomal Recessive and X-Linked Classification Criteria (2023). Collection method: clinical testing. Allele origin: unknown.
Comment: This variant is considered likely benign. This variant is intronic and is not expected to impact mRNA splicing.

Ambry Genetics
Classification: Uncertain significance for Hereditary cancer-predisposing syndrome. Last evaluated: 2023-10-26. Review status: criteria provided, single submitter. Criteria: Ambry Variant Classification Scheme 2023. Collection method: clinical testing. Allele origin: germline.
Comment: The c.622-5T>C intronic variant results from a T to C substitution 5 nucleotides upstream from coding exon 6 in the SDHA gene. This nucleotide position is well conserved in available vertebrate species. In silico splice site analysis predicts that this alteration will not have any significant effect on splicing. Since supporting evidence is limited at this time, the clinical significance of this alteration remains unclear.

NM_004168.4(SDHA):c.622-5T>C

Gene: SDHA (succinate dehydrogenase complex flavoprotein subunit A; plus strand). Cytogenetic location: 5p15.33.
Variant type: single nucleotide variant.
Coding change: c.622-5T>C on transcript NM_004168.4 (MANE Select); 5 bases into the intron before coding-DNA position 622, T replaced by C.
Molecular consequence: intron variant.
Genome position (GRCh38, 1-based): chr5:228,180, T>C. VCF-style: chr5-228180-T-C. GRCh37 (hg19) VCF-style: chr5-228295-T-C.
Other names: c.622-5T>C (NM_001330758.2); c.478-5T>C (NM_001294332.2).
Identifiers: ClinVar variation 239677 (VCV000239677.18), dbSNP rs878854634, ClinGen allele CA10582420.